The following is an entry in ClinVar:

NM_201548.5(CERKL):c.1073+4_1073+7del

Gene: CERKL (CERK like autophagy regulator; minus strand). Cytogenetic location: 2q31.3.
Variant type: Deletion.
Coding change: c.1073+4_1073+7del on transcript NM_201548.5 (MANE Select); bases 4 to 7 of the intron after coding-DNA position 1073, 4 bases deleted (AGTC; older notation c.1073+4_1073+7delAGTC).
Molecular consequence: intron variant.
Genome position (GRCh38, 1-based): chr2:181,548,673-181,548,676, GACT deleted on the plus strand (AGTC on the coding strand, the reverse complement: CERKL is on the minus strand). VCF-style (leftmost placement, unchanged base first): chr2-181548672-AGACT-A. GRCh37 (hg19) VCF-style: chr2-182413399-AGACT-A.
Other names: c.734+4_734+7del (NM_001030312.3); c.1019+4_1019+7del (NM_001160277.2); c.866+4_866+7del (NM_001030313.3); c.1151+4_1151+7del (NM_001030311.3).
Identifiers: ClinVar variation 1393800 (VCV001393800.6), dbSNP rs2105803724, ClinGen allele CA2573134249.

ClinVar aggregate classification (germline): Uncertain significance (1 of 4 stars; one submission).

Submission:

Labcorp Genetics (formerly Invitae), Labcorp
Classification: Uncertain significance. Last evaluated: 2022-08-22. Review status: criteria provided, single submitter. Criteria: Invitae Variant Classification Sherloc (09022015). Collection method: clinical testing. Allele origin: germline.
Comment: This sequence change falls in intron 8 of the CERKL gene. It does not directly change the encoded amino acid sequence of the CERKL protein. It affects a nucleotide within the consensus splice site. This variant is not present in population databases (gnomAD no frequency). This variant has not been reported in the literature in individuals affected with CERKL-related conditions. ClinVar contains an entry for this variant (Variation ID: 1393800). Variants that disrupt the consensus splice site are a relatively common cause of aberrant splicing (PMID: 17576681, 9536098). Algorithms developed to predict the effect of sequence changes on RNA splicing suggest that this variant may disrupt the consensus splice site. In summary, the available evidence is currently insufficient to determine the role of this variant in disease. Therefore, it has been classified as a Variant of Uncertain Significance.

Literature cited by the submitters: PubMed 17576681; PubMed 9536098.